The following is an entry in ClinVar:

ClinVar aggregate classification (germline): Conflicting classifications of pathogenicity. Review status: criteria provided, conflicting classifications (1 of 4 stars). 3 submissions from 3 submitters: Uncertain significance (1); Likely benign (1). 1 of the submissions does not count toward it. Last evaluated 2024-11-16.

Conditions:
PLEKHG2-related disorder. Also called: PLEKHG2-related condition.

Submissions (3):

Labcorp Genetics (formerly Invitae), Labcorp
Classification: Likely benign. Last evaluated: 2024-11-16. Review status: criteria provided, single submitter. Criteria: Invitae Variant Classification Sherloc (09022015). Collection method: clinical testing. Allele origin: germline.

CeGaT Center for Human Genetics Tuebingen
Classification: Uncertain significance. Last evaluated: 2016-09-01. Review status: criteria provided, single submitter. Criteria: CeGaT Center For Human Genetics Tuebingen Variant Classification Criteria Version 2. Collection method: clinical testing. Allele origin: germline. Affected: yes. Observed: 1 variant allele.

PreventionGenetics, part of Exact Sciences
Classification: Likely benign for PLEKHG2-related condition. Last evaluated: 2019-09-17. Review status: no assertion criteria provided. Collection method: clinical testing. Allele origin: germline. Not counted in ClinVar's aggregate classification.
Comment: This variant is classified as likely benign based on ACMG/AMP sequence variant interpretation guidelines (Richards et al. 2015 PMID: 25741868, with internal and published modifications).

NM_022835.3(PLEKHG2):c.882+8del

Gene: PLEKHG2 (pleckstrin homology and RhoGEF domain containing G2; plus strand). Cytogenetic location: 19q13.2.
Variant type: Deletion.
Coding change: c.882+8del on transcript NM_022835.3 (MANE Select); 8 bases into the intron after coding-DNA position 882, one base deleted (C; older notation c.882+8delC).
Molecular consequence: intron variant.
Genome position (GRCh38, 1-based): chr19:39,417,700, C deleted; the last of 4 consecutive C bases (chr19:39,417,697-39,417,700); deleting any one gives the same sequence. VCF-style (leftmost placement, unchanged base first): chr19-39417696-GC-G. GRCh37 (hg19) VCF-style: chr19-39908336-GC-G.
Other names: c.882+8del (NM_022835.2, NM_001351694.2); c.705+8del (NM_001351693.2).
Identifiers: ClinVar variation 735748 (VCV000735748.53), dbSNP rs571854709, ClinGen allele CA9429266.
Genomic context (GRCh38, chr19:39,417,696, plus strand): 5'-GTTGCCTGGTACATCAACGACATGAAGCGCAAGCAGGAGCATGCAGCGCGCCTCCAGGTG[GC>G]CCCAGGGTGGGCTGGGGCTTGCTGGATGAGGGAGTGAGCGAGGGGGCCTTGGGGCGGGTG-3'